The following is an entry in ClinVar:

NM_001148.6(ANK2):c.3281dup (p.Val1095fs)

Gene: ANK2 (ankyrin 2; plus strand). Cytogenetic location: 4q26.
Variant type: Duplication.
Coding change: c.3281dup on transcript NM_001148.6 (MANE Select); coding-DNA position 3281, one base duplicated (T; older notation c.3281dupT).
Protein change: p.Val1095fs; shifts the reading frame from valine 1095.
Molecular consequence: frameshift variant.
Genome position (GRCh38, 1-based): chr4:113,333,110, T duplicated. VCF-style (leftmost placement, unchanged base first): chr4-113333109-C-CT. GRCh37 (hg19) VCF-style: chr4-114254265-C-CT.
Other names: c.3254dup, p.Val1086fs (NM_001127493.3); c.3293dup, p.Val1099fs (NM_001354225.2); c.3182dup, p.Val1062fs (NM_001354228.2, NM_001354258.2); c.3260dup, p.Val1088fs (NM_001354230.2); c.3323dup, p.Val1109fs (NM_001354231.2, NM_001354242.2); c.3317dup, p.Val1107fs (NM_001354232.2); c.3278dup, p.Val1094fs (NM_001354235.2, NM_001354246.2, NM_001354265.2); c.3179dup, p.Val1061fs (NM_001354236.2); and 29 more; short protein forms V1008fs, V1033fs, V1041fs, V1043fs, V1048fs, V1050fs, V1085fs, V1088fs.
Identifiers: ClinVar variation 1729746 (VCV001729746.2), dbSNP rs2502650416, ClinGen allele CA2580071447.

ClinVar aggregate classification (germline): Pathogenic (1 of 4 stars; one submission).

Conditions:
Cardiovascular phenotype. Identifiers: MedGen CN230736.

Submission:

Ambry Genetics
Classification: Pathogenic for Cardiovascular phenotype. Last evaluated: 2022-06-10. Review status: criteria provided, single submitter. Criteria: Ambry Variant Classification Scheme 2023. Collection method: clinical testing. Allele origin: germline.
Comment: The c.3281dupT pathogenic mutation, located in coding exon 29 of the ANK2 gene, results from a duplication of T at nucleotide position 3281, causing a translational frameshift with a predicted alternate stop codon (p.V1095Gfs*6). This variant is considered to be rare based on population cohorts in the Genome Aggregation Database (gnomAD). This alteration is expected to result in loss of function by premature protein truncation or nonsense-mediated mRNA decay. Based on the supporting evidence, this variant is expected to be causative of ANK2-related neurodevelopmental disorder. However, the evidence for the gene-disease relationship is limited for cardiac disease; therefore, the clinical significance of this alteration for ANK2-related arrhythmia is unclear.